The following is an entry in ClinVar:

NM_013266.4(CTNNA3):c.34G>T (p.Asp12Tyr)

Gene: CTNNA3 (catenin alpha 3; minus strand). Cytogenetic location: 10q21.3.
Variant type: single nucleotide variant.
Coding change: c.34G>T on transcript NM_013266.4 (MANE Select); coding-DNA position 34, G replaced by T.
Protein change: p.Asp12Tyr; replaces aspartic acid 12 with tyrosine.
Molecular consequence: missense variant.
Genome position (GRCh38, 1-based): chr10:67,647,480, C>A on the plus strand (G>T on the coding strand, the complement: CTNNA3 is on the minus strand). VCF-style: chr10-67647480-C-A. GRCh37 (hg19) VCF-style: chr10-69407238-C-A.
Other names: c.34G>T, p.Asp12Tyr (NM_001127384.3); c.70G>T, p.Asp24Tyr (NM_001291133.2); short protein forms D12Y, D24Y.
Identifiers: ClinVar variation 1732057 (VCV001732057.3), dbSNP rs1839752364, ClinGen allele CA377100271.

ClinVar aggregate classification (germline): Uncertain significance. Review status: criteria provided, multiple submitters, no conflicts (2 of 4 stars). 2 submissions from 2 submitters: Uncertain significance (2). Last evaluated 2025-02-26.

Conditions:
Arrhythmogenic right ventricular dysplasia 13. Also called: ARRHYTHMOGENIC RIGHT VENTRICULAR CARDIOMYOPATHY 13; Arrhythmogenic right ventricular dysplasia, familial, 13. Identifiers: MedGen C3810138, MONDO:0000908, OMIM 615616.

gnomAD v4.1: 1 of 1,613,258 alleles (0.000062%); highest among the groups gnomAD compares: Non-Finnish European, 0.000085%; no homozygotes.

Submissions (2):

Labcorp Genetics (formerly Invitae), Labcorp
Classification: Uncertain significance for Arrhythmogenic right ventricular dysplasia 13. Last evaluated: 2025-02-26. Review status: criteria provided, single submitter. Criteria: Invitae Variant Classification Sherloc (09022015). Collection method: clinical testing. Allele origin: germline.
Comment: This sequence change replaces aspartic acid, which is acidic and polar, with tyrosine, which is neutral and polar, at codon 12 of the CTNNA3 protein (p.Asp12Tyr). This variant is not present in population databases (gnomAD no frequency). This variant has not been reported in the literature in individuals affected with CTNNA3-related conditions. ClinVar contains an entry for this variant (Variation ID: 1732057). Invitae Evidence Modeling of protein sequence and biophysical properties (such as structural, functional, and spatial information, amino acid conservation, physicochemical variation, residue mobility, and thermodynamic stability) indicates that this missense variant is expected to disrupt CTNNA3 protein function with a positive predictive value of 80%. Algorithms developed to predict the effect of sequence changes on RNA splicing suggest that this variant may create or strengthen a splice site. In summary, the available evidence is currently insufficient to determine the role of this variant in disease. Therefore, it has been classified as a Variant of Uncertain Significance.

Ambry Genetics
Classification: Uncertain significance. Last evaluated: 2021-08-10. Review status: criteria provided, single submitter. Criteria: Ambry Variant Classification Scheme 2023. Collection method: clinical testing. Allele origin: germline.
Comment: The p.D12Y variant (also known as c.34G>T), located in coding exon 1 of the CTNNA3 gene, results from a G to T substitution at nucleotide position 34. The aspartic acid at codon 12 is replaced by tyrosine, an amino acid with highly dissimilar properties. This amino acid position is conserved. In addition, this alteration is predicted to be tolerated by in silico analysis. Since supporting evidence is limited at this time, the clinical significance of this alteration remains unclear.